The following is an entry in ClinVar:

ClinVar aggregate classification (germline): Likely benign (1 of 4 stars; one submission).

Conditions:
Familial cancer of breast. Also called: Hereditary breast cancer; hereditary breast carcinoma; BREAST CANCER, FAMILIAL. Identifiers: Orphanet 227535, MedGen C0346153, MONDO:0016419, OMIM 114480. Disease mechanism: loss of function.

gnomAD v4.1: 1 of 1,611,646 alleles (0.000062%); highest among the groups gnomAD compares: South Asian, 0.0011%; no homozygotes.

Submission:

Myriad Genetics, Inc.
Classification: Likely benign for Familial cancer of breast. Last evaluated: 2025-01-22. Review status: criteria provided, single submitter. Criteria: Myriad Autosomal Dominant, Autosomal Recessive and X-Linked Classification Criteria (2023). Collection method: clinical testing. Allele origin: unknown.
Comment: This variant is considered likely benign. This variant is intronic and is not expected to impact mRNA splicing.

NM_024675.4(PALB2):c.3351-13T>C

Gene: PALB2 (partner and localizer of BRCA2; minus strand). Cytogenetic location: 16p12.2.
Variant type: single nucleotide variant.
Coding change: c.3351-13T>C on transcript NM_024675.4 (MANE Select); 13 bases into the intron before coding-DNA position 3351, T replaced by C.
Molecular consequence: intron variant.
Genome position (GRCh38, 1-based): chr16:23,603,682, A>G on the plus strand (T>C on the coding strand, the complement: PALB2 is on the minus strand). VCF-style: chr16-23603682-A-G. GRCh37 (hg19) VCF-style: chr16-23615003-A-G.
Other names: c.2229-13T>C (NM_001407308.1, NM_001407309.1); c.2466-13T>C (NM_001407306.1, NM_001407305.1, NM_001407304.1); c.885-13T>C (NM_001407314.1); c.1414-13T>C (NM_001407313.1); c.1563-13T>C (NM_001407312.1); c.3291-13T>C (NM_001407296.1); c.3279-13T>C (NM_001407297.1); c.3040-13T>C (NM_001407302.1); and 6 more.
Identifiers: ClinVar variation 3903953 (VCV003903953.1).
Genomic context (GRCh38, chr16:23,603,682, plus strand): 5'-GTCAAGATTGCTGCTGCACAGTGATCTTTCACGTCACCTTCCAGGAACCTGATAGCATAC[A>G]AAGAAGATATAATTCAGATTACATATCCAAAAAACAATTAAAAAAAAAAAAAAGGTCAAA-3'